The following is an entry in ClinVar:

ClinVar aggregate classification (germline): Likely benign (0 of 4 stars; one submission).

Conditions:
TUB-related disorder. Also called: TUB-related condition.

Submission:

PreventionGenetics, part of Exact Sciences
Classification: Likely benign for TUB-related condition. Last evaluated: 2024-07-05. Review status: no assertion criteria provided. Collection method: clinical testing. Allele origin: germline.
Comment: This variant is classified as likely benign based on ACMG/AMP sequence variant interpretation guidelines (Richards et al. 2015 PMID: 25741868, with internal and published modifications).

NM_177972.3(TUB):c.1512G>T (p.Ala504=)

Genes: RIC3 (RIC3 acetylcholine receptor chaperone; minus strand), TUB (TUB bipartite transcription factor; plus strand). Cytogenetic location: 11p15.4.
Variant type: single nucleotide variant.
Coding change: c.1512G>T on transcript NM_177972.3 (MANE Select); coding-DNA position 1512, G replaced by T.
Protein change: p.Ala504=; no amino-acid change (alanine 504 retained).
Molecular consequence: synonymous variant.
Genome position (GRCh38, 1-based): chr11:8,101,610, G>T. VCF-style: chr11-8101610-G-T. GRCh37 (hg19) VCF-style: chr11-8123157-G-T.
Other names: c.1677G>T, p.Ala559= (NM_003320.5).
Identifiers: ClinVar variation 3344746 (VCV003344746.1).